The following is an entry in ClinVar:

NM_000489.6(ATRX):c.6254G>A (p.Arg2085His)

Gene: ATRX (ATRX chromatin remodeler; minus strand). Cytogenetic location: Xq21.1.
Variant type: single nucleotide variant.
Coding change: c.6254G>A on transcript NM_000489.6 (MANE Select); coding-DNA position 6254, G replaced by A.
Protein change: p.Arg2085His; replaces arginine 2085 with histidine.
Molecular consequence: missense variant.
Genome position (GRCh38, 1-based): chrX:77,574,322, C>T on the plus strand (G>A on the coding strand, the complement: ATRX is on the minus strand). VCF-style: chrX-77574322-C-T. GRCh37 (hg19) VCF-style: chrX-76829787-C-T.
Other names: c.6140G>A, p.Arg2047His (NM_138270.5); short protein forms R2085H, R2047H.
Identifiers: ClinVar variation 372728 (VCV000372728.60), dbSNP rs1057517948, ClinGen allele CA16043310.

ClinVar aggregate classification (germline): Pathogenic/Likely pathogenic. Review status: criteria provided, multiple submitters, no conflicts (2 of 4 stars). 7 submissions from 7 submitters: Pathogenic (5); Likely pathogenic (2). Last evaluated 2026-02-12.

Conditions:
ATRX-related disorder. Also called: ATRX-related condition.
Intellectual disability-hypotonic facies syndrome, X-linked, 1 (MRXHF1). Also called: HOLMES-GANG SYNDROME; XLMR-HYPOTONIC FACIES SYNDROME; Carpenter-Waziri syndrome; CHUDLEY-LOWRY SYNDROME; Chudley syndrome 1; Chudley-Lowry-Hoar syndrome. Identifiers: Orphanet 73220, Orphanet 93970, Orphanet 93971, Orphanet 93972, Orphanet 93973, Orphanet 93974, Orphanet 93975, MedGen C4759781, MONDO:0010663, OMIM 309580.
Alpha thalassemia-X-linked intellectual disability syndrome (ATRX). Also called: ATR, NONDELETION TYPE; X-linked alpha-thalassemia-mental retardation syndrome; ALPHA-THALASSEMIA/IMPAIRED INTELLECTUAL DEVELOPMENT SYNDROME, X-LINKED; ALPHA-THALASSEMIA/MENTAL RETARDATION SYNDROME, X-LINKED; ATR-X syndrome; Alpha thalassemia mental retardation syndrome, nondeletion type, X-linked. Identifiers: Orphanet 847, MedGen C1845055, MONDO:0010519, OMIM 301040.

Allele frequency attached by ClinVar (database versions not stated): gnomAD exomes below 0.00001.
gnomAD v4.1: 1 of 1,207,719 alleles (0.000083%); highest among the groups gnomAD compares: Non-Finnish European, 0.00011%; no homozygotes.

Submissions (7):

GeneDx
Classification: Pathogenic. Last evaluated: 2026-02-12. Review status: criteria provided, single submitter. Criteria: GeneDx Variant Classification Process June 2021. Collection method: clinical testing. Allele origin: germline. Affected: yes.
Comment: In silico analysis supports that this missense variant has a deleterious effect on protein structure/function; Not observed at significant frequency in large population cohorts (gnomAD); This variant is associated with the following publications: (PMID: 26350204, 32109418, 35904121, 16813605, 28293299, 29304373, 32595695, 32712949, 32005694, 24289169, 34906459, 35709690, 28027854, 36292677)

3billion
Classification: Pathogenic for ATRX-related disorder. Last evaluated: 2026-01-27. Review status: criteria provided, single submitter. Criteria: ACMG Guidelines, 2015. Collection method: clinical testing. Allele origin: germline. Affected: yes.
Comment: The variant is observed at an extremely low frequency in the gnomAD v4.1.0 dataset (total allele frequency: <0.001%). Predicted Consequence/Location: Missense variant In silico tool predictions suggest damaging effect of the variant on gene or gene product [REVEL: 0.84 (>=0.6, sensitivity 0.68 and specificity 0.92); 3Cnet: 0.99 (> 0.75, sensitivity 0.96 and precision 0.92)]. The same nucleotide change resulting in the same amino acid change has been previously reported as pathogenic/likely pathogenic with strong evidence (ClinVar ID: VCV000372728 /PMID: 16813605). The variant has been observed in multiple (>3) similarly affected unrelated individuals (PMID: 24289169, 28293299, 32595695, 36292677). Different missense changes at the same codon (p.Arg2085Cys, p.Arg2085Leu, p.Arg2085Ser) have been reported as pathogenic/likely pathogenic with strong evidence (ClinVar ID: VCV000635054, VCV001180765 /PMID: 12673795, 18409179, 34740920). Therefore, this variant is classified as Pathogenic according to the recommendation of ACMG/AMP guideline.

Labcorp Genetics (formerly Invitae), Labcorp
Classification: Pathogenic for Alpha thalassemia-X-linked intellectual disability syndrome. Last evaluated: 2023-10-13. Review status: criteria provided, single submitter. Criteria: Invitae Variant Classification Sherloc (09022015). Collection method: clinical testing. Allele origin: germline.
Comment: This sequence change replaces arginine, which is basic and polar, with histidine, which is basic and polar, at codon 2085 of the ATRX protein (p.Arg2085His). This variant is not present in population databases (gnomAD no frequency). This missense change has been observed in individuals with ATRX syndrome (PMID: 16813605, 24289169, 28293299, 32595695, 32712949, 35709690, 36292677). ClinVar contains an entry for this variant (Variation ID: 372728). Advanced modeling of protein sequence and biophysical properties (such as structural, functional, and spatial information, amino acid conservation, physicochemical variation, residue mobility, and thermodynamic stability) performed at Invitae indicates that this missense variant is expected to disrupt ATRX protein function with a positive predictive value of 80%. This variant disrupts the p.Arg2085 amino acid residue in ATRX. Other variant(s) that disrupt this residue have been observed in individuals with ATRX-related conditions (PMID: 28027854), which suggests that this may be a clinically significant amino acid residue. For these reasons, this variant has been classified as Pathogenic.

MGZ Medical Genetics Center
Classification: Likely pathogenic for Intellectual disability-hypotonic facies syndrome, X-linked, 1. Last evaluated: 2021-09-03. Review status: criteria provided, single submitter. Criteria: ACMG Guidelines, 2015. Collection method: clinical testing. Allele origin: germline. Affected: yes. Observed: 1 variant allele.
Comment: ACMG criteria applied: PS4, PM2_SUP, PP3

CeGaT Center for Human Genetics Tuebingen
Classification: Pathogenic. Last evaluated: 2018-07-01. Review status: criteria provided, single submitter. Criteria: CeGaT Center For Human Genetics Tuebingen Variant Classification Criteria Version 2. Collection method: clinical testing. Allele origin: germline. Affected: yes. Observed: 2 variant alleles.

Centre for Mendelian Genomics, University Medical Centre Ljubljana
Classification: Likely pathogenic for Alpha thalassemia-X-linked intellectual disability syndrome. Last evaluated: 2016-01-01. Review status: criteria provided, single submitter. Criteria: ACMG Guidelines, 2015. Collection method: clinical testing. Allele origin: unknown. Affected: yes.
Comment: This variant was classified as: Likely pathogenic. The following ACMG criteria were applied in classifying this variant: PM2,PP3,PP4,PP5,PS1. This variant was detected in hemizygous state.

Rady Children's Institute for Genomic Medicine, Rady Children's Hospital San Diego
Classification: Pathogenic for ALPHA-THALASSEMIA/MENTAL RETARDATION SYNDROME, X-LINKED. Review status: criteria provided, single submitter. Criteria: ACMG Guidelines, 2015. Collection method: clinical testing. Allele origin: germline. Affected: yes.
Comment: This variant has been previously reported as a hemizygous change in patients with X-linked alpha-thalassemia (ATRX) syndrome (PMID: 16813605, 24289169, 25644381, 26350204, 28295695, 29930392, 32595695). The c.6254G>A (p.Arg2085His) variant is located in the C-terminal Helicase Domain, which is a known hotspot region for pathogenic variation associated with ATRX syndrome (PMID: 24289169). Different changes at the same amino acid residue (p.Arg2085Cys and p.Arg2085Ser) have been reported in individuals with ATRX syndrome (PMID: 12673795, 25533962, 28027854, 18409179 ). The ATRX gene is constrained against variation (Z-score = 3.102 and pLI = 1), and missense variants are a common mechanism of disease (HGMD, ClinVar database). The c.6254G>A (p.Arg2085His) variant is absent from the gnomAD population database and thus is presumed to be rare. Based on the available evidence, the c.6254G>A (p.Arg2085His) variant is classified as Pathogenic.

Literature cited by the submitters: PubMed 12673795 (cited by 3billion); PubMed 16813605 (cited by 3billion and Labcorp Genetics (formerly Invitae), Labcorp); PubMed 28293299 (cited by 3billion and Labcorp Genetics (formerly Invitae), Labcorp); PubMed 36292677 (cited by 3billion and Labcorp Genetics (formerly Invitae), Labcorp); PubMed 24289169 (cited by 3billion and Labcorp Genetics (formerly Invitae), Labcorp); PubMed 32595695 (cited by 3billion and Labcorp Genetics (formerly Invitae), Labcorp); PubMed 32712949 (cited by Labcorp Genetics (formerly Invitae), Labcorp); PubMed 35709690 (cited by Labcorp Genetics (formerly Invitae), Labcorp); PubMed 28027854 (cited by Labcorp Genetics (formerly Invitae), Labcorp).